The following is an entry in ClinVar:

NM_000135.4(FANCA):c.701T>C (p.Met234Thr)

Gene: FANCA (FA complementation group A; minus strand). Cytogenetic location: 16q24.3.
Variant type: single nucleotide variant.
Coding change: c.701T>C on transcript NM_000135.4 (MANE Select); coding-DNA position 701, T replaced by C.
Protein change: p.Met234Thr; replaces methionine 234 with threonine.
Molecular consequence: missense variant.
Genome position (GRCh38, 1-based): chr16:89,805,288, A>G on the plus strand (T>C on the coding strand, the complement: FANCA is on the minus strand). VCF-style: chr16-89805288-A-G. GRCh37 (hg19) VCF-style: chr16-89871696-A-G.
Other names: c.701T>C (LRG_495t1); c.701T>C, p.Met234Thr (NM_001018112.3, NM_001286167.3); c.605T>C, p.Met202Thr (NM_001351830.2); short protein forms M202T, M234T.
Identifiers: ClinVar variation 641617 (VCV000641617.12), dbSNP rs145869646, ClinGen allele CA8252852.
Genomic context (GRCh38, chr16:89,805,288, plus strand): 5'-CACAGATCAAAATGAGTTTTACCCAAGAACCCGCATCTTGTCATGAACGCACCAGAAAGC[A>G]TGGCCCTGGCGACGTCAGCATGCTGGCAGGATGCTTCCATCTGTTCACAAAGGCAGCACA-3'
Protein context (NP_000126.2, residues 224-244): SCQHADVARA[Met234Thr]LSDFVQMFVL

ClinVar aggregate classification (germline): Uncertain significance. Review status: criteria provided, multiple submitters, no conflicts (2 of 4 stars). 5 submissions from 5 submitters: Uncertain significance (4). 1 of the submissions does not count toward it. Last evaluated 2024-08-01.

Conditions:
Fanconi anemia (FA). Also called: Fanconi's anemia. Identifiers: Orphanet 84, MedGen C0015625, MeSH D005199, MONDO:0019391.
Fanconi anemia complementation group A (FANCA). Also called: Fanconi anemia, group A; FANCA-Related Fanconi Anemia. Identifiers: Orphanet 84, MedGen C3469521, MONDO:0009215, OMIM 227650.
FANCA-related disorder. Also called: FANCA-related condition.

Allele frequency attached by ClinVar (database versions not stated): ExAC 0.00001; gnomAD exomes 0.00001; gnomAD 0.00002 and 0.00003; TOPMed 0.00005; ESP Exome Variant Server 0.00008; 1000 Genomes Project 30x 0.00031; 1000 Genomes Project 0.00040.
gnomAD v4.1: 18 of 1,613,466 alleles (0.0011%); highest among the groups gnomAD compares: African/African-American, 0.015%; no homozygotes.

Submissions (5):

Labcorp Genetics (formerly Invitae), Labcorp
Classification: Uncertain significance for Fanconi anemia. Last evaluated: 2024-08-01. Review status: criteria provided, single submitter. Criteria: Invitae Variant Classification Sherloc (09022015). Collection method: clinical testing. Allele origin: germline.
Comment: This sequence change replaces methionine, which is neutral and non-polar, with threonine, which is neutral and polar, at codon 234 of the FANCA protein (p.Met234Thr). This variant is present in population databases (rs145869646, gnomAD 0.02%). This variant has not been reported in the literature in individuals affected with FANCA-related conditions. ClinVar contains an entry for this variant (Variation ID: 641617). Advanced modeling of protein sequence and biophysical properties (such as structural, functional, and spatial information, amino acid conservation, physicochemical variation, residue mobility, and thermodynamic stability) performed at Invitae indicates that this missense variant is not expected to disrupt FANCA protein function with a negative predictive value of 80%. In summary, the available evidence is currently insufficient to determine the role of this variant in disease. Therefore, it has been classified as a Variant of Uncertain Significance.

Fulgent Genetics
Classification: Uncertain significance for Fanconi anemia complementation group A. Last evaluated: 2024-02-22. Review status: criteria provided, single submitter. Criteria: ACMG Guidelines, 2015. Collection method: clinical testing. Allele origin: germline.

PreventionGenetics, part of Exact Sciences
Classification: Uncertain significance for FANCA-related condition. Last evaluated: 2023-09-12. Review status: criteria provided, single submitter. Criteria: ACMG Guidelines, 2015. Collection method: clinical testing. Allele origin: germline.
Comment: The FANCA c.701T>C variant is predicted to result in the amino acid substitution p.Met234Thr. To our knowledge, this variant has not been reported in the literature. This variant is reported in 0.019% of alleles in individuals of African descent in gnomAD. At this time, the clinical significance of this variant is uncertain due to the absence of conclusive functional and genetic evidence.

Illumina Laboratory Services, Illumina
Classification: Uncertain significance for Fanconi anemia complementation group A. Last evaluated: 2018-01-13. Review status: criteria provided, single submitter. Criteria: ICSL Variant Classification Criteria 13 December 2019. Collection method: clinical testing. Allele origin: germline.

Natera, Inc.
Classification: Uncertain significance for Fanconi anemia, group A. Last evaluated: 2020-09-16. Review status: no assertion criteria provided. Collection method: clinical testing. Allele origin: germline. Not counted in ClinVar's aggregate classification.